The following is an entry in ClinVar:

ClinVar aggregate classification (germline): Likely benign (1 of 4 stars; one submission).

Submission:

CeGaT Center for Human Genetics Tuebingen
Classification: Likely benign. Last evaluated: 2025-03-01. Review status: criteria provided, single submitter. Criteria: CeGaT Center For Human Genetics Tuebingen Variant Classification Criteria Version 2. Collection method: clinical testing. Allele origin: germline. Affected: yes. Observed: 1 variant allele.
Comment: FRAS1: PM2:Supporting, BP4, BP7

NM_025074.7(FRAS1):c.3375C>T (p.Leu1125=)

Gene: FRAS1 (Fraser extracellular matrix complex subunit 1; plus strand). Cytogenetic location: 4q21.21.
Variant type: single nucleotide variant.
Coding change: c.3375C>T on transcript NM_025074.7 (MANE Select); coding-DNA position 3375, C replaced by T.
Protein change: p.Leu1125=; no amino-acid change (leucine 1125 retained).
Molecular consequence: synonymous variant.
Genome position (GRCh38, 1-based): chr4:78,379,808, C>T. VCF-style: chr4-78379808-C-T. GRCh37 (hg19) VCF-style: chr4-79300962-C-T.
Other names: c.3375C>T, p.Leu1125= (NM_001166133.2).
Identifiers: ClinVar variation 3778302 (VCV003778302.7).